The following is an entry in ClinVar:

ClinVar aggregate classification (germline): Pathogenic (1 of 4 stars; one submission).

Conditions:
RYR1-related disorder. Also called: RYR1-related disorders; RYR1-related condition. Identifiers: MedGen CN239331.

Submission:

Labcorp Genetics (formerly Invitae), Labcorp
Classification: Pathogenic for RYR1-related disorder. Last evaluated: 2022-07-20. Review status: criteria provided, single submitter. Criteria: Invitae Variant Classification Sherloc (09022015). Collection method: clinical testing. Allele origin: germline.
Comment: For these reasons, this variant has been classified as Pathogenic. Advanced modeling of protein sequence and biophysical properties (such as structural, functional, and spatial information, amino acid conservation, physicochemical variation, residue mobility, and thermodynamic stability) performed at Invitae indicates that this missense variant is expected to disrupt RYR1 protein function. ClinVar contains an entry for this variant (Variation ID: 574633). This missense change has been observed in individual(s) with clinical features of centronuclear myopathy (Invitae). In at least one individual the variant was observed to be de novo. This variant is not present in population databases (gnomAD no frequency). This sequence change replaces lysine, which is basic and polar, with threonine, which is neutral and polar, at codon 4862 of the RYR1 protein (p.Lys4862Thr).

NM_000540.3(RYR1):c.14585A>C (p.Lys4862Thr)

Gene: RYR1 (ryanodine receptor 1; plus strand). Cytogenetic location: 19q13.2.
Variant type: single nucleotide variant.
Coding change: c.14585A>C on transcript NM_000540.3 (MANE Select); coding-DNA position 14585, A replaced by C.
Protein change: p.Lys4862Thr; replaces lysine 4862 with threonine.
Molecular consequence: missense variant.
Genome position (GRCh38, 1-based): chr19:38,580,443, A>C. VCF-style: chr19-38580443-A-C. GRCh37 (hg19) VCF-style: chr19-39071083-A-C.
Other names: c.14570A>C, p.Lys4857Thr (NM_001042723.2); short protein forms K4862T, K4857T.
Identifiers: ClinVar variation 574633 (VCV000574633.8), dbSNP rs1568605182, ClinGen allele CA405687817.